The following is an entry in ClinVar:

ClinVar aggregate classification (germline): Likely benign (1 of 4 stars; one submission).

Allele frequency attached by ClinVar (database versions not stated): gnomAD 0.00001; TOPMed 0.00001.
gnomAD v4.1: 22 of 1,613,044 alleles (0.0014%); highest among the groups gnomAD compares: Middle Eastern, 0.033%; 1 homozygote.

Submission:

Women's Health and Genetics/Laboratory Corporation of America, LabCorp
Classification: Likely benign. Last evaluated: 2024-01-02. Review status: criteria provided, single submitter. Criteria: LabCorp Variant Classification Summary - May 2015. Collection method: clinical testing. Allele origin: germline.
Comment: Variant summary: ARHGAP9 c.1116+13G>C alters a non-conserved nucleotide located at a position not widely known to affect splicing. Consensus agreement among computation tools predict no significant impact on normal splicing. However, these predictions have yet to be confirmed by functional studies. The frequency data for this variant in gnomAD is considered unreliable, as metrics indicate poor data quality at this position. To our knowledge, no occurrence of c.1116+13G>C in individuals affected with ARHGAP9-Related Disorders and no experimental evidence demonstrating its impact on protein function have been reported. No submitters have cited clinical-significance assessments for this variant to ClinVar after 2014. Based on the evidence outlined above, the variant was classified as likely benign.

NM_032496.4(ARHGAP9):c.1116+13G>C

Gene: ARHGAP9 (Rho GTPase activating protein 9; minus strand). Cytogenetic location: 12q13.3.
Variant type: single nucleotide variant.
Coding change: c.1116+13G>C on transcript NM_032496.4 (MANE Select); 13 bases into the intron after coding-DNA position 1116, G replaced by C.
Molecular consequence: intron variant.
Genome position (GRCh38, 1-based): chr12:57,476,351, C>G on the plus strand (G>C on the coding strand, the complement: ARHGAP9 is on the minus strand). VCF-style: chr12-57476351-C-G. GRCh37 (hg19) VCF-style: chr12-57870134-C-G.
Other names: c.1116+13G>C (NM_001319850.2, NM_001080157.2); c.564+13G>C (NM_001367424.1, NM_001367426.1, NM_001367422.1 and 2 more transcripts); c.471+13G>C (NM_001367425.1, NM_001367423.1); c.126+13G>C (NM_001319851.2).
Identifiers: ClinVar variation 3064013 (VCV003064013.1), dbSNP rs1417057860, ClinGen allele CA480257494.